The following is an entry in ClinVar:

ClinVar aggregate classification (germline): Benign/Likely benign. Review status: criteria provided, multiple submitters, no conflicts (2 of 4 stars). 2 submissions from 2 submitters: Benign (1); Likely benign (1). Last evaluated 2025-02-16.

Conditions:
Leigh syndrome (NULS). Also called: Leigh's necrotizing encephalopathy; Leigh's disease; Leigh Syndrome (mtDNA deletion); Leigh Disease; Subacute necrotizing encephalopathy; Necrotizing encephalopathy infantile subacute of Leigh. Identifiers: Orphanet 506, MedGen C2931891, MONDO:0009723, OMIM 256000.

Submissions (2):

Laboratory of Genetics, Children's Clinical University Hospital Latvia
Classification: Likely benign. Last evaluated: 2025-02-16. Review status: criteria provided, single submitter. Criteria: ACMG Guidelines, 2015. Collection method: clinical testing. Allele origin: germline. Affected: yes.

Wong Mito Lab, Molecular and Human Genetics, Baylor College of Medicine
Classification: Benign for Leigh syndrome. Last evaluated: 2019-10-17. Review status: criteria provided, single submitter. Criteria: Modified ACMG Guidelines (Unpublished). Collection method: clinical testing. Allele origin: germline.
Comment: The NC_012920.1:m.7309T>C (YP_003024028.1:p.Ile469Thr) variant in MTCO1 gene is interpretated to be a Benign variant based on the modified ACMG guidelines (unpublished). This variant meets the following evidence codes: BS1, BS4

NC_012920.1(MT-CO1):m.7309T>C

Gene: MT-CO1 (mitochondrially encoded cytochrome c oxidase I; plus strand).
Variant type: single nucleotide variant.
Genome position: chrM-7309-T-C.
Identifiers: ClinVar variation 692732 (VCV000692732.2), dbSNP rs1556423267, ClinGen allele CA414792320.